The following is an entry in ClinVar:

ClinVar aggregate classification (germline): Benign/Likely benign. Review status: criteria provided, multiple submitters, no conflicts (2 of 4 stars). 12 submissions from 10 submitters: Benign (7); Likely benign (4). 1 of the submissions does not count toward it. Last evaluated 2026-02-04.

Conditions:
Diabetes mellitus, transient neonatal, 3 (TNDM3). Identifiers: Orphanet 99886, MedGen C1864623, MONDO:0012522, OMIM 610582. Disease mechanism: loss of function.
Permanent neonatal diabetes mellitus (PNDM). Identifiers: Orphanet 99885, MedGen C1833104, MONDO:0100164, MONDO:0011643. Disease mechanism: gain of function.
Hyperinsulinemic hypoglycemia, familial, 2. Also called: HYPERINSULINEMIC HYPOGLYCEMIA, PERSISTENT; HYPERINSULINISM, NEONATAL. Identifiers: Orphanet 276580, Orphanet 276603, MedGen C2931833, MONDO:0011153, OMIM 601820. Disease mechanism: loss of function.
Maturity-onset diabetes of the young type 13. Also called: MODY, TYPE 13. Identifiers: Orphanet 552, MedGen C4225365, MONDO:0014589, OMIM 616329.

Allele frequency attached by ClinVar (database versions not stated): TOPMed 0.21009; 1000 Genomes Project 30x 0.21502; ESP Exome Variant Server 0.22286; 1000 Genomes Project 0.22744; gnomAD 0.22765 and 0.23002.

Submissions (12):

Labcorp Genetics (formerly Invitae), Labcorp
Classification: Benign. Last evaluated: 2026-02-04. Review status: criteria provided, single submitter. Criteria: Invitae Variant Classification Sherloc (09022015). Collection method: clinical testing. Allele origin: germline.

Mayo Clinic Laboratories, Mayo Clinic
Classification: Benign. Last evaluated: 2025-04-14. Review status: criteria provided, single submitter. Criteria: ACMG Guidelines, 2015. Collection method: clinical testing. Allele origin: germline. Observed: 1 variant allele.
Comment: BA1

Blueprint Genetics
Classification: Benign. Last evaluated: 2024-11-27. Review status: criteria provided, single submitter. Criteria: ACMG Guidelines, 2015. Collection method: clinical testing. Allele origin: germline.

GeneDx
Classification: Benign. Last evaluated: 2018-09-17. Review status: criteria provided, single submitter. Criteria: GeneDx Variant Classification Process June 2021. Collection method: clinical testing. Allele origin: germline. Affected: yes.
Comment: This variant is associated with the following publications: (PMID: 14871556, 29396286, 17327377, 17823772, 22916062, 22512215, 28460053, 21573802, 24018988, 1731660, 17727257, 16429405, 11310586, 26740944, 15115830, 24068186, 21765448, 25725792, 17257281, 14551916, 18290324)

Athena Diagnostics
Classification: Benign for Hyperinsulinemic hypoglycemia, familial, 2. Last evaluated: 2017-04-28. Review status: criteria provided, single submitter. Criteria: Athena Diagnostics Criteria. Collection method: clinical testing. Allele origin: germline.

Illumina Laboratory Services, Illumina
Classification: Likely benign for Hyperinsulinemic hypoglycemia, familial, 2. Last evaluated: 2017-04-27. Review status: criteria provided, single submitter. Criteria: ICSL Variant Classification Criteria 13 December 2019. Collection method: clinical testing. Allele origin: germline.
Comment: This variant was observed as part of a predisposition screen in an ostensibly healthy population. A literature search was performed for the gene, cDNA change, and amino acid change (where applicable). No publications were found based on this search. Allele frequency data from public databases allowed determination this variant is unlikely to cause disease. Therefore, this variant is classified as likely benign.

Illumina Laboratory Services, Illumina
Classification: Likely benign for Diabetes mellitus, transient neonatal, 3. Last evaluated: 2017-04-27. Review status: criteria provided, single submitter. Criteria: ICSL Variant Classification Criteria 13 December 2019. Collection method: clinical testing. Allele origin: germline.
Comment: the same text as in the submission from Illumina Laboratory Services, Illumina above.

Illumina Laboratory Services, Illumina
Classification: Likely benign for Maturity-onset diabetes of the young type 13. Last evaluated: 2017-04-27. Review status: criteria provided, single submitter. Criteria: ICSL Variant Classification Criteria 13 December 2019. Collection method: clinical testing. Allele origin: germline.
Comment: the same text as in the submission from Illumina Laboratory Services, Illumina above.

Genetic Services Laboratory, University of Chicago
Classification: Benign. Last evaluated: 2013-02-08. Review status: criteria provided, single submitter. Criteria: ACMG Guidelines, 2007. Collection method: clinical testing. Allele origin: germline. Inheritance: Autosomal unknown.

Breakthrough Genomics
Classification: Likely benign. Review status: criteria provided, single submitter. Criteria: ACMG Guidelines, 2015. Collection method: not provided. Allele origin: germline. Inheritance: Autosomal recessive inheritance. Affected: yes.

PreventionGenetics, part of Exact Sciences
Classification: Benign. Review status: criteria provided, single submitter. Criteria: ACMG Guidelines, 2015. Collection method: clinical testing. Allele origin: germline.

Natera, Inc.
Classification: Benign for Permanent neonatal diabetes mellitus. Last evaluated: 2020-09-16. Review status: no assertion criteria provided. Collection method: clinical testing. Allele origin: germline. Not counted in ClinVar's aggregate classification.

Literature cited by the submitters: PubMed 14551916 (cited by Athena Diagnostics); PubMed 18290324 (cited by Athena Diagnostics).

NM_000525.4(KCNJ11):c.570C>T (p.Ala190=)

Gene: KCNJ11 (potassium inwardly rectifying channel subfamily J member 11; minus strand). Cytogenetic location: 11p15.1.
Variant type: single nucleotide variant.
Coding change: c.570C>T on transcript NM_000525.4 (MANE Select); coding-DNA position 570, C replaced by T.
Protein change: p.Ala190=; no amino-acid change (alanine 190 retained).
Molecular consequence: synonymous variant.
Genome position (GRCh38, 1-based): chr11:17,387,522, G>A on the plus strand (C>T on the coding strand, the complement: KCNJ11 is on the minus strand). VCF-style: chr11-17387522-G-A. GRCh37 (hg19) VCF-style: chr11-17409069-G-A.
Other names: p.Ala190=; c.309C>T, p.Ala103= (NM_001166290.2, NM_001377296.1, NM_001377297.1).
Identifiers: ClinVar variation 158680 (VCV000158680.25), dbSNP rs5218, ClinGen allele CA172336.